The following is an entry in ClinVar:

NM_000266.4(NDP):c.62A>G (p.Asp21Gly)

Genes: NDP-AS1 (NDP antisense RNA 1; plus strand), NDP (norrin cystine knot growth factor NDP; minus strand). Cytogenetic location: Xp11.3.
Variant type: single nucleotide variant.
Coding change: c.62A>G on transcript NM_000266.4 (MANE Select); coding-DNA position 62, A replaced by G.
Protein change: p.Asp21Gly; replaces aspartic acid 21 with glycine.
Molecular consequence: missense variant.
Genome position (GRCh38, 1-based): chrX:43,958,584, T>C on the plus strand (A>G on the coding strand, the complement: NDP is on the minus strand). VCF-style: chrX-43958584-T-C. GRCh37 (hg19) VCF-style: chrX-43817830-T-C.
Other names: c.62A>G (NM_000266.3); short protein forms D21G.
Identifiers: ClinVar variation 1427641 (VCV001427641.7), dbSNP rs377588806, ClinGen allele CA10391452.

ClinVar aggregate classification (germline): Uncertain significance. Review status: criteria provided, multiple submitters, no conflicts (2 of 4 stars). 2 submissions from 2 submitters: Uncertain significance (2). Last evaluated 2022-12-14.

Conditions:
Inborn genetic diseases. Identifiers: MedGen C0950123, MeSH D030342.

Allele frequency attached by ClinVar (database versions not stated): gnomAD exomes 0.00001; ExAC 0.00002; ESP Exome Variant Server 0.00009.

Submissions (2):

Ambry Genetics
Classification: Uncertain significance for Inborn genetic diseases. Last evaluated: 2022-12-14. Review status: criteria provided, single submitter. Criteria: Ambry Variant Classification Scheme 2023. Collection method: clinical testing. Allele origin: germline.

Labcorp Genetics (formerly Invitae), Labcorp
Classification: Uncertain significance. Last evaluated: 2022-08-16. Review status: criteria provided, single submitter. Criteria: Invitae Variant Classification Sherloc (09022015). Collection method: clinical testing. Allele origin: germline.
Comment: This sequence change replaces aspartic acid, which is acidic and polar, with glycine, which is neutral and non-polar, at codon 21 of the NDP protein (p.Asp21Gly). In summary, the available evidence is currently insufficient to determine the role of this variant in disease. Therefore, it has been classified as a Variant of Uncertain Significance. Algorithms developed to predict the effect of sequence changes on RNA splicing suggest that this variant may create or strengthen a splice site. Algorithms developed to predict the effect of missense changes on protein structure and function (SIFT, PolyPhen-2, Align-GVGD) all suggest that this variant is likely to be tolerated. ClinVar contains an entry for this variant (Variation ID: 1427641). This variant has not been reported in the literature in individuals affected with NDP-related conditions. This variant is present in population databases (rs377588806, gnomAD 0.001%).